The following is an entry in ClinVar:

NM_015978.3(TNNI3K):c.1996G>A (p.Ala666Thr)

Genes: TNNI3K (TNNI3 interacting kinase; plus strand), FPGT-TNNI3K (FPGT-TNNI3K readthrough; plus strand). Cytogenetic location: 1p31.1.
Variant type: single nucleotide variant.
Coding change: c.1996G>A on transcript NM_015978.3 (MANE Select); coding-DNA position 1996, G replaced by A.
Protein change: p.Ala666Thr; replaces alanine 666 with threonine.
Molecular consequence: missense variant.
Genome position (GRCh38, 1-based): chr1:74,439,607, G>A. VCF-style: chr1-74439607-G-A. GRCh37 (hg19) VCF-style: chr1-74905291-G-A.
Other names: p.Ala666Thr; c.2299G>A, p.Ala767Thr (NM_001112808.3, NM_001199327.2); short protein forms A666T, A767T.
Identifiers: ClinVar variation 1581559 (VCV001581559.13), dbSNP rs148931950, ClinGen allele CA909530.

ClinVar aggregate classification (germline): Benign/Likely benign. Review status: criteria provided, multiple submitters, no conflicts (2 of 4 stars). 5 submissions from 5 submitters: Benign (2); Likely benign (2). 1 of the submissions does not count toward it. Last evaluated 2026-02-03.

Conditions:
TNNI3K-related disorder. Also called: TNNI3K-related condition.

Allele frequency attached by ClinVar (database versions not stated): gnomAD exomes 0.00063; ExAC 0.00078; gnomAD 0.00206 and 0.00223; 1000 Genomes Project 0.00220; TOPMed 0.00229; ESP Exome Variant Server 0.00231; 1000 Genomes Project 30x 0.00328.
gnomAD v4.1: 620 of 1,613,308 alleles (0.038%); highest among the groups gnomAD compares: African/African-American, 0.69%; 2 homozygotes.

Submissions (5):

Labcorp Genetics (formerly Invitae), Labcorp
Classification: Benign. Last evaluated: 2026-02-03. Review status: criteria provided, single submitter. Criteria: Invitae Variant Classification Sherloc (09022015). Collection method: clinical testing. Allele origin: germline.

Molecular Diagnostic Laboratory for Inherited Cardiovascular Disease, Montreal Heart Institute
Classification: Likely benign. Last evaluated: 2025-04-09. Review status: criteria provided, single submitter. Criteria: ACMG Guidelines, 2015. Collection method: clinical testing. Allele origin: germline. Affected: no.

Blueprint Genetics
Classification: Likely benign. Last evaluated: 2024-08-28. Review status: criteria provided, single submitter. Criteria: ACMG Guidelines, 2015. Collection method: clinical testing. Allele origin: germline.

Mayo Clinic Laboratories, Mayo Clinic
Classification: Benign. Last evaluated: 2023-08-29. Review status: criteria provided, single submitter. Criteria: ACMG Guidelines, 2015. Collection method: clinical testing. Allele origin: germline. Observed: 3 variant alleles.
Comment: BA1

PreventionGenetics, part of Exact Sciences
Classification: Benign for TNNI3K-related condition. Last evaluated: 2023-12-27. Review status: no assertion criteria provided. Collection method: clinical testing. Allele origin: germline. Not counted in ClinVar's aggregate classification.
Comment: This variant is classified as benign based on ACMG/AMP sequence variant interpretation guidelines (Richards et al. 2015 PMID: 25741868, with internal and published modifications).